The following is an entry in ClinVar:

ClinVar aggregate classification (germline): Uncertain significance (1 of 4 stars; one submission).

Conditions:
Arrhythmogenic right ventricular dysplasia 9 (ARVD9). Also called: Arrhythmogenic Right Ventricular Dysplasia/Cardiomyopathy 9; ARRHYTHMOGENIC RIGHT VENTRICULAR DYSPLASIA, FAMILIAL, 9. Identifiers: MedGen C1836906, MONDO:0012180, OMIM 609040.

Submission:

Labcorp Genetics (formerly Invitae), Labcorp
Classification: Uncertain significance for Arrhythmogenic right ventricular dysplasia 9. Last evaluated: 2022-07-11. Review status: criteria provided, single submitter. Criteria: Invitae Variant Classification Sherloc (09022015). Collection method: clinical testing. Allele origin: germline.
Comment: This variant, c.1625_1630del, is a complex sequence change that results in the deletion of 3 and insertion of 1 amino acid(s) in the PKP2 protein (p.Asp542_Pro544delinsAla). In summary, the available evidence is currently insufficient to determine the role of this variant in disease. Therefore, it has been classified as a Variant of Uncertain Significance. Experimental studies and prediction algorithms are not available or were not evaluated, and the functional significance of this variant is currently unknown. This variant has not been reported in the literature in individuals affected with PKP2-related conditions. This variant is not present in population databases (gnomAD no frequency).

NM_001005242.3(PKP2):c.1493_1498del (p.Asp498_Pro500delinsAla)

Gene: PKP2 (plakophilin 2; minus strand). Cytogenetic location: 12p11.21.
Variant type: Deletion.
Coding change: c.1493_1498del on transcript NM_001005242.3 (MANE Select); coding-DNA positions 1493 to 1498, 6 bases deleted (ACTACC; older notation c.1493_1498delACTACC).
Protein change: p.Asp498_Pro500delinsAla.
Molecular consequence: inframe indel.
Genome position (GRCh38, 1-based): chr12:32,841,086-32,841,091, GGTAGT deleted on the plus strand (ACTACC on the coding strand, the reverse complement: PKP2 is on the minus strand). VCF-style (leftmost placement, unchanged base first): chr12-32841085-GGGTAGT-G. GRCh37 (hg19) VCF-style: chr12-32994019-GGGTAGT-G.
Other names: c.1493_1498delACTACC, p.Asp498_Pro500delinsAla (NM_001407155.1, NM_001407156.1, NM_001407161.1); c.1625_1630delACTACC, p.Asp542_Pro544delinsAla (NM_001407157.1); c.1166_1171delACTACC, p.Asp389_Pro391delinsAla (NM_001407158.1, NM_001407159.1, NM_001407160.1 and 1 more transcripts); c.1625_1630del, p.Asp542_Pro544delinsAla (NM_004572.4).
Identifiers: ClinVar variation 1901083 (VCV001901083.5), dbSNP rs2541264877, ClinGen allele CA2580085383.
Genomic context (GRCh38, chr12:32,841,085, plus strand): 5'-TACCTTAGGCATCCAGTGACGTTGTAGAATATGTCAAAATCGAGCAAACCATTTGCTTTT[GGGTAGT>G]CTCCTTCAGGCCACCCAGAAAAGGGGATGATGATATTCTCCGTCAGCGTAAGCAATGCTT-3'